The following is an entry in ClinVar:

ClinVar aggregate classification (germline): Uncertain significance. Review status: criteria provided, multiple submitters, no conflicts (2 of 4 stars). 2 submissions from 2 submitters: Uncertain significance (2). Last evaluated 2025-08-10.

Conditions:
PIEZO1-related disorder. Also called: PIEZO1-Related Disorders; PIEZO1-related condition.
Inborn genetic diseases. Identifiers: MedGen C0950123, MeSH D030342.

Allele frequency attached by ClinVar (database versions not stated): gnomAD 0.00001; gnomAD exomes 0.00001; TOPMed 0.00002.
gnomAD v4.1: 11 of 1,508,344 alleles (0.00073%); highest among the groups gnomAD compares: African/African-American, 0.0028%; no homozygotes.

Submissions (2):

Ambry Genetics
Classification: Uncertain significance for Inborn genetic diseases. Last evaluated: 2025-08-10. Review status: criteria provided, single submitter. Criteria: Ambry Variant Classification Scheme 2023. Collection method: clinical testing. Allele origin: germline.

PreventionGenetics, part of Exact Sciences
Classification: Uncertain significance for PIEZO1-related condition. Last evaluated: 2025-03-04. Review status: criteria provided, single submitter. Criteria: ACMG Guidelines, 2015. Collection method: clinical testing. Allele origin: germline.
Comment: The PIEZO1 c.5657C>T variant is predicted to result in the amino acid substitution p.Ala1886Val. To our knowledge, this variant has not been reported in the literature. This variant is reported in 0.0046% of alleles in individuals of European (Non-Finnish) descent in gnomAD. At this time, the clinical significance of this variant is uncertain due to the absence of conclusive functional and genetic evidence.

NM_001142864.4(PIEZO1):c.5657C>T (p.Ala1886Val)

Gene: PIEZO1 (piezo type mechanosensitive ion channel component 1 (Er blood group); minus strand). Cytogenetic location: 16q24.3.
Variant type: single nucleotide variant.
Coding change: c.5657C>T on transcript NM_001142864.4 (MANE Select); coding-DNA position 5657, C replaced by T.
Protein change: p.Ala1886Val; replaces alanine 1886 with valine.
Molecular consequence: missense variant.
Genome position (GRCh38, 1-based): chr16:88,721,177, G>A on the plus strand (C>T on the coding strand, the complement: PIEZO1 is on the minus strand). VCF-style: chr16-88721177-G-A. GRCh37 (hg19) VCF-style: chr16-88787585-G-A.
Other names: c.4199C>T, p.Ala1400Val (NM_014745.1); c.5657C>T (NM_001142864.3); short protein forms A1400V, A1886V.
Identifiers: ClinVar variation 2331028 (VCV002331028.4), dbSNP rs1270847617, ClinGen allele CA397089540.